The following is an entry in ClinVar:

ClinVar aggregate classification (germline): Uncertain significance (1 of 4 stars; one submission).

Conditions:
Vici syndrome (VICIS). Identifiers: Orphanet 1493, MedGen C1855772, MONDO:0009452, OMIM 242840.

gnomAD v4.1: 28 of 1,614,102 alleles (0.0017%); highest among the groups gnomAD compares: Non-Finnish European, 0.0024%; no homozygotes.

Submission:

Labcorp Genetics (formerly Invitae), Labcorp
Classification: Uncertain significance for Vici syndrome. Last evaluated: 2025-09-09. Review status: criteria provided, single submitter. Criteria: Invitae Variant Classification Sherloc (09022015). Collection method: clinical testing. Allele origin: germline.
Comment: This sequence change replaces arginine, which is basic and polar, with leucine, which is neutral and non-polar, at codon 2262 of the EPG5 protein (p.Arg2262Leu). This variant is present in population databases (no rsID available, gnomAD 0.007%). This variant has not been reported in the literature in individuals affected with EPG5-related conditions. Invitae Evidence Modeling of protein sequence and biophysical properties (such as structural, functional, and spatial information, amino acid conservation, physicochemical variation, residue mobility, and thermodynamic stability) has been performed for this missense variant. However, the output from this modeling did not meet the statistical confidence thresholds required to predict the impact of this variant on EPG5 protein function. In summary, the available evidence is currently insufficient to determine the role of this variant in disease. Therefore, it has been classified as a Variant of Uncertain Significance.

NM_020964.3(EPG5):c.6785G>T (p.Arg2262Leu)

Gene: EPG5 (ectopic P-granules 5 autophagy tethering factor; minus strand). Cytogenetic location: 18q12.3.
Variant type: single nucleotide variant.
Coding change: c.6785G>T on transcript NM_020964.3 (MANE Select); coding-DNA position 6785, G replaced by T.
Protein change: p.Arg2262Leu; replaces arginine 2262 with leucine.
Molecular consequence: missense variant.
Genome position (GRCh38, 1-based): chr18:45,860,328, C>A on the plus strand (G>T on the coding strand, the complement: EPG5 is on the minus strand). VCF-style: chr18-45860328-C-A. GRCh37 (hg19) VCF-style: chr18-43440293-C-A.
Other names: c.6785G>T, p.Arg2262Leu (NM_001410858.1); c.6782G>T, p.Arg2261Leu (NM_001410859.1); short protein forms R2261L, R2262L.
Identifiers: ClinVar variation 4699729 (VCV004699729.1).
Genomic context (GRCh38, chr18:45,860,328, plus strand): 5'-ATAGTCGCGTTGTTCATCATCATCAGGACTTCCATAAAGAGGCTGCTGAGGGCCATGTGG[C>A]GGGTCTGGCTGTCCATGTCTGAAAGGAATATAGACACACTCAAGAATGGCTGCCAGAAAG-3'
Protein context (NP_066015.2, residues 2252-2272): FNPPDMDSQT[Arg2262Leu]HMALSSLFME